The following is an entry in ClinVar:

NM_002875.5(RAD51):c.641C>A (p.Ser214Tyr)

Gene: RAD51 (RAD51 recombinase; plus strand). Cytogenetic location: 15q15.1.
Variant type: single nucleotide variant.
Coding change: c.641C>A on transcript NM_002875.5 (MANE Select); coding-DNA position 641, C replaced by A.
Protein change: p.Ser214Tyr; replaces serine 214 with tyrosine.
Molecular consequence: missense variant.
Genome position (GRCh38, 1-based): chr15:40,728,821, C>A. VCF-style: chr15-40728821-C-A. GRCh37 (hg19) VCF-style: chr15-41021019-C-A.
Other names: c.644C>A, p.Ser215Tyr (NM_001164269.2, NM_133487.4); c.641C>A, p.Ser214Tyr (NM_001164270.2); short protein forms S214Y, S215Y.
Identifiers: ClinVar variation 3222865 (VCV003222865.1), dbSNP rs1596025383, ClinGen allele CA391757561.

ClinVar aggregate classification (germline): Uncertain significance (1 of 4 stars; one submission).

Conditions:
Inborn genetic diseases. Identifiers: MedGen C0950123, MeSH D030342.

Submission:

Ambry Genetics
Classification: Uncertain significance for Inborn genetic diseases. Last evaluated: 2024-02-27. Review status: criteria provided, single submitter. Criteria: Ambry Variant Classification Scheme 2023. Collection method: clinical testing. Allele origin: germline.
Comment: The p.S214Y variant (also known as c.641C>A), located in coding exon 6 of the RAD51 gene, results from a C to A substitution at nucleotide position 641. The serine at codon 214 is replaced by tyrosine, an amino acid with dissimilar properties. This amino acid position is conserved. In addition, the in silico prediction for this alteration is inconclusive. Based on the available evidence, the clinical significance of this alteration remains unclear.